The following is an entry in ClinVar:

NM_001083961.2(WDR62):c.536T>C (p.Met179Thr)

Gene: WDR62 (WD repeat domain 62; plus strand). Cytogenetic location: 19q13.12.
Variant type: single nucleotide variant.
Coding change: c.536T>C on transcript NM_001083961.2 (MANE Select); coding-DNA position 536, T replaced by C.
Protein change: p.Met179Thr; replaces methionine 179 with threonine.
Molecular consequence: missense variant.
Genome position (GRCh38, 1-based): chr19:36,066,402, T>C. VCF-style: chr19-36066402-T-C. GRCh37 (hg19) VCF-style: chr19-36557304-T-C.
Other names: c.536T>C, p.Met179Thr (NM_173636.5); short protein forms M179T.
Identifiers: ClinVar variation 1362690 (VCV001362690.8), dbSNP rs2145580389, ClinGen allele CA405427210.
Genomic context (GRCh38, chr19:36,066,402, plus strand): 5'-CGTGTGTGGCCTTCTCACCCAATATGAAGCACATCGTGTCCATGGGCTACCAACATGACA[T>C]GGTGCTCAACGTCTGGGACTGGAAGGTAAGAGCCGACCAGCAGGCCTGTGGCAGGCAGCC-3'
Protein context (NP_001077430.1, residues 169-189): HIVSMGYQHD[Met179Thr]VLNVWDWKKD

ClinVar aggregate classification (germline): Uncertain significance (1 of 4 stars; one submission).

Submission:

Labcorp Genetics (formerly Invitae), Labcorp
Classification: Uncertain significance. Last evaluated: 2021-05-03. Review status: criteria provided, single submitter. Criteria: Invitae Variant Classification Sherloc (09022015). Collection method: clinical testing. Allele origin: germline.
Comment: In summary, the available evidence is currently insufficient to determine the role of this variant in disease. Therefore, it has been classified as a Variant of Uncertain Significance. Algorithms developed to predict the effect of missense changes on protein structure and function are either unavailable or do not agree on the potential impact of this missense change (SIFT: "Tolerated"; PolyPhen-2: "Probably Damaging"; Align-GVGD: "Class C0"). This variant has not been reported in the literature in individuals with WDR62-related conditions. This variant is not present in population databases (ExAC no frequency). This sequence change replaces methionine with threonine at codon 179 of the WDR62 protein (p.Met179Thr). The methionine residue is moderately conserved and there is a moderate physicochemical difference between methionine and threonine.